The following is an entry in ClinVar:

ClinVar aggregate classification (germline): Uncertain significance (1 of 4 stars; one submission).

Conditions:
Mucopolysaccharidosis, MPS-III-B (MPS3B). Also called: N-ACETYL-ALPHA-D-GLUCOSAMINIDASE DEFICIENCY; NAGLU DEFICIENCY; SANFILIPPO SYNDROME B; MPS III B; MPS IIIB (Sanfilippo Syndrome Type B); MUCOPOLYSACCHARIDOSIS, TYPE IIIB. Identifiers: Orphanet 79270, MedGen C0086648, MONDO:0009656, OMIM 252920.
Charcot-Marie-Tooth disease axonal type 2V. Also called: CHARCOT-MARIE-TOOTH NEUROPATHY, TYPE 2V; CHARCOT-MARIE-TOOTH DISEASE, AXONAL, AUTOSOMAL DOMINANT, TYPE 2V. Identifiers: Orphanet 447964, MedGen C5569050, MONDO:0014665, OMIM 616491.

Allele frequency attached by ClinVar (database versions not stated): gnomAD 0.00001; gnomAD exomes 0.00001; TOPMed 0.00001; ExAC 0.00002.
gnomAD v4.1: 6 of 1,614,138 alleles (0.00037%); highest among the groups gnomAD compares: South Asian, 0.0033%; no homozygotes.

Submission:

Labcorp Genetics (formerly Invitae), Labcorp
Classification: Uncertain significance for Charcot-Marie-Tooth disease axonal type 2V; Mucopolysaccharidosis, MPS-III-B. Last evaluated: 2022-08-31. Review status: criteria provided, single submitter. Criteria: Invitae Variant Classification Sherloc (09022015). Collection method: clinical testing. Allele origin: germline.
Comment: This sequence change replaces phenylalanine, which is neutral and non-polar, with leucine, which is neutral and non-polar, at codon 192 of the NAGLU protein (p.Phe192Leu). This variant is present in population databases (rs765009822, gnomAD 0.01%). This variant has not been reported in the literature in individuals affected with NAGLU-related conditions. ClinVar contains an entry for this variant (Variation ID: 1494388). Algorithms developed to predict the effect of missense changes on protein structure and function (SIFT, PolyPhen-2, Align-GVGD) all suggest that this variant is likely to be tolerated. In summary, the available evidence is currently insufficient to determine the role of this variant in disease. Therefore, it has been classified as a Variant of Uncertain Significance.

NM_000263.4(NAGLU):c.576C>A (p.Phe192Leu)

Gene: NAGLU (N-acetyl-alpha-glucosaminidase; plus strand). Cytogenetic location: 17q21.2.
Variant type: single nucleotide variant.
Coding change: c.576C>A on transcript NM_000263.4 (MANE Select); coding-DNA position 576, C replaced by A.
Protein change: p.Phe192Leu; replaces phenylalanine 192 with leucine.
Molecular consequence: missense variant.
Genome position (GRCh38, 1-based): chr17:42,538,383, C>A. VCF-style: chr17-42538383-C-A. GRCh37 (hg19) VCF-style: chr17-40690401-C-A.
Other names: short protein forms F192L.
Identifiers: ClinVar variation 1494388 (VCV001494388.5), dbSNP rs765009822, ClinGen allele CA8576798.